The following is an entry in ClinVar:

NM_032242.4(PLXNA1):c.4173G>A (p.Ser1391=)

Gene: PLXNA1 (plexin A1; plus strand). Cytogenetic location: 3q21.3.
Variant type: single nucleotide variant.
Coding change: c.4173G>A on transcript NM_032242.4 (MANE Select); coding-DNA position 4173, G replaced by A.
Protein change: p.Ser1391=; no amino-acid change (serine 1391 retained).
Molecular consequence: synonymous variant.
Genome position (GRCh38, 1-based): chr3:127,022,219, G>A. VCF-style: chr3-127022219-G-A. GRCh37 (hg19) VCF-style: chr3-126741062-G-A.
Identifiers: ClinVar variation 3054184 (VCV003054184.2), dbSNP rs373883530, ClinGen allele CA2594254.

ClinVar aggregate classification (germline): Likely benign (0 of 4 stars; one submission).

Conditions:
PLXNA1-related disorder. Also called: PLXNA1-related condition.

Allele frequency attached by ClinVar (database versions not stated): gnomAD exomes 0.00001; ExAC 0.00003; gnomAD 0.00005; TOPMed 0.00006; ESP Exome Variant Server 0.00008.
gnomAD v4.1: 14 of 1,613,294 alleles (0.00087%); highest among the groups gnomAD compares: Admixed American, 0.01%; no homozygotes.

Submission:

PreventionGenetics, part of Exact Sciences
Classification: Likely benign for PLXNA1-related condition. Last evaluated: 2022-08-31. Review status: no assertion criteria provided. Collection method: clinical testing. Allele origin: germline.
Comment: This variant is classified as likely benign based on ACMG/AMP sequence variant interpretation guidelines (Richards et al. 2015 PMID: 25741868, with internal and published modifications).